The following is an entry in ClinVar:

ClinVar aggregate classification (germline): Likely benign (1 of 4 stars; one submission).

Allele frequency attached by ClinVar (database versions not stated): gnomAD 0.00013; ESP Exome Variant Server 0.00015; gnomAD exomes 0.00015; ExAC 0.00017; TOPMed 0.00021.
gnomAD v4.1: 242 of 1,611,556 alleles (0.015%); highest among the groups gnomAD compares: Middle Eastern, 0.18%; no homozygotes.

Submission:

CeGaT Center for Human Genetics Tuebingen
Classification: Likely benign. Last evaluated: 2023-05-01. Review status: criteria provided, single submitter. Criteria: CeGaT Center For Human Genetics Tuebingen Variant Classification Criteria Version 2. Collection method: clinical testing. Allele origin: germline. Affected: yes. Observed: 1 variant allele.
Comment: LRRTM1: BP4, BP7

NM_178839.5(LRRTM1):c.1290G>A (p.Thr430=)

Genes: CTNNA2 (catenin alpha 2; plus strand), LRRTM1 (leucine rich repeat transmembrane neuronal 1; minus strand). Cytogenetic location: 2p12.
Variant type: single nucleotide variant.
Coding change: c.1290G>A on transcript NM_178839.5 (MANE Select); coding-DNA position 1290, G replaced by A.
Protein change: p.Thr430=; no amino-acid change (threonine 430 retained).
Molecular consequence: synonymous variant. On other transcripts: intron variant (5).
Genome position (GRCh38, 1-based): chr2:80,302,530, C>T on the plus strand (G>A on the coding strand, the complement: LRRTM1 is on the minus strand). VCF-style: chr2-80302530-C-T. GRCh37 (hg19) VCF-style: chr2-80529655-C-T.
Other names: c.1057-90681C>T (NM_001399737.1, NM_001282597.3, NM_004389.4 and 1 more transcripts); c.1159-90681C>T (NM_001282598.2).
Identifiers: ClinVar variation 2651085 (VCV002651085.24), dbSNP rs138747880, ClinGen allele CA1735262.
Genomic context (GRCh38, chr2:80,302,530, plus strand): 5'-CCAGGACACGTAGAGCACCAGGACCACGATGAGGAAGGAGAAGATGAGGGCCATGGTGCC[C>T]GTGACCACCTTGTGGATCTGCACGGCGTTCTCGGCGTGCTCGCCGCCTGGAAGAGCCACG-3'
Protein context (NP_849161.2, residues 420-440): ENAVQIHKVV[Thr430=]GTMALIFSFL